The following is an entry in ClinVar:

ClinVar aggregate classification (germline): Pathogenic (1 of 4 stars; one submission).

Conditions:
Cystic fibrosis (CF). Also called: MUCOVISCIDOSIS. Identifiers: Orphanet 586, MedGen C0010674, MONDO:0009061, OMIM 219700. Disease mechanism: loss of function.

Submission:

Women's Health and Genetics/Laboratory Corporation of America, LabCorp
Classification: Pathogenic for Cystic fibrosis. Last evaluated: 2024-02-01. Review status: criteria provided, single submitter. Criteria: LabCorp Variant Classification Summary - May 2015. Collection method: clinical testing. Allele origin: germline.
Comment: Variant summary: The variant involves the deletion of exons 25-27 in the CFTR gene. The exact breakpoint at the distal 3' end of this variant is unknown, therefore this deletion may extend downstream of the annotated region of the gene. As it encompasses the termination codon, it is predicted to escape nonsense mediated decay (NMD). A presumed nomenclature of c.(3963+1_3964-1)_(*1558_?)del has been designated for the purposes of this classification. The variant was absent in 21694 control chromosomes (gnomAD, Structural variants dataset). Similar deletion has been reported in the literature in at-least one individual affected with Cystic Fibrosis (example: Martinis_2018). Overlapping inframe deletion (exons 25-26del) has been classified pathogenic internally (Variation ID: 2573425). The following publications have been ascertained in the context of this evaluation (PMID: 29760218, 31199594, 31036917). ClinVar contains an entry for this variant (Variation ID: 634911). Based on the evidence outlined above, the variant was classified as pathogenic.

Literature cited by the submitters: PubMed 31036917; PubMed 29760218; PubMed 31199594.

NC_000007.13:g.(117292986_117304741)_(117308720_?)del

Gene: CFTR (CF transmembrane conductance regulator; plus strand). Cytogenetic location: 7q31.2.
Variant type: Deletion.
Identifiers: ClinVar variation 3068881 (VCV003068881.1).